The following is an entry in ClinVar:

ClinVar aggregate classification (germline): Uncertain significance (1 of 4 stars; one submission).

Conditions:
Hereditary cancer-predisposing syndrome. Also called: Hereditary neoplastic syndrome; Neoplastic Syndromes, Hereditary; Tumor predisposition; Hereditary Cancer Syndrome. Identifiers: Orphanet 140162, MedGen C0027672, MeSH D009386, MONDO:0015356.

Submission:

Ambry Genetics
Classification: Uncertain significance for Hereditary cancer-predisposing syndrome. Last evaluated: 2024-12-23. Review status: criteria provided, single submitter. Criteria: Ambry Variant Classification Scheme 2023. Collection method: clinical testing. Allele origin: germline.
Comment: The p.L4P variant (also known as c.11T>C), located in coding exon 1 of the BMPR1A gene, results from a T to C substitution at nucleotide position 11. The leucine at codon 4 is replaced by proline, an amino acid with similar properties. This amino acid position is conserved. In addition, this alteration is predicted to be tolerated by in silico analysis. Based on the available evidence, the clinical significance of this variant remains unclear.

NM_004329.3(BMPR1A):c.11T>C (p.Leu4Pro)

Gene: BMPR1A (bone morphogenetic protein receptor type 1A; plus strand). Cytogenetic location: 10q23.2.
Variant type: single nucleotide variant.
Coding change: c.11T>C on transcript NM_004329.3 (MANE Select); coding-DNA position 11, T replaced by C.
Protein change: p.Leu4Pro; replaces leucine 4 with proline.
Molecular consequence: missense variant. On other transcripts: 5 prime UTR variant (1), non-coding transcript variant (3), intron variant (4).
Genome position (GRCh38, 1-based): chr10:86,876,029, T>C. VCF-style: chr10-86876029-T-C. GRCh37 (hg19) VCF-style: chr10-88635786-T-C.
Other names: c.11T>C, p.Leu4Pro (NM_001406578.1, NM_001406579.1, NM_001406580.1 and 23 more transcripts); c.-69T>C (NM_001406588.1); c.-17-14033T>C (NM_001406584.1, NM_001406587.1, NM_001406585.1); c.-12-14038T>C (NM_001406586.1); short protein forms L4P.
Identifiers: ClinVar variation 3824712 (VCV003824712.1).
Genomic context (GRCh38, chr10:86,876,029, plus strand): 5'-AAGACCAATTATTAAAGGTGACAGTACACAGGAAACATTACAATTGAACAATGCCTCAGC[T>C]ATACATTTACATCAGATTATTGGGAGCCTATTTGTTCATCATTTCTCGTGTTCAAGGTAA-3'
Protein context (NP_004320.2, residues 1-14): MPQ[Leu4Pro]YIYIRLLGAY